The following is an entry in ClinVar:

NM_001369.3(DNAH5):c.11614A>T (p.Ile3872Phe)

Gene: DNAH5 (dynein axonemal heavy chain 5; minus strand). Cytogenetic location: 5p15.2.
Variant type: single nucleotide variant.
Coding change: c.11614A>T on transcript NM_001369.3 (MANE Select); coding-DNA position 11614, A replaced by T.
Protein change: p.Ile3872Phe; replaces isoleucine 3872 with phenylalanine.
Molecular consequence: missense variant.
Genome position (GRCh38, 1-based): chr5:13,735,278, T>A on the plus strand (A>T on the coding strand, the complement: DNAH5 is on the minus strand). VCF-style: chr5-13735278-T-A. GRCh37 (hg19) VCF-style: chr5-13735387-T-A.
Other names: short protein forms I3872F.
Identifiers: ClinVar variation 904817 (VCV000904817.13), dbSNP rs572139897, ClinGen allele CA3201895.

ClinVar aggregate classification (germline): Conflicting classifications of pathogenicity. Review status: criteria provided, conflicting classifications (1 of 4 stars). 4 submissions from 4 submitters: Uncertain significance (3); Likely benign (1). Last evaluated 2025-06-23.

Conditions:
Primary ciliary dyskinesia. Also called: Ciliary dyskinesia. Identifiers: Orphanet 244, MedGen C0008780, MONDO:0016575, HP:0012265.
Primary ciliary dyskinesia 3. Identifiers: Orphanet 244, MedGen C1837618, MONDO:0012085, OMIM 608644.

Allele frequency attached by ClinVar (database versions not stated): gnomAD 0.00003; TOPMed 0.00003.
gnomAD v4.1: 28 of 1,614,148 alleles (0.0017%); highest among the groups gnomAD compares: East Asian, 0.022%; no homozygotes.

Submissions (4):

Ambry Genetics
Classification: Uncertain significance for Primary ciliary dyskinesia. Last evaluated: 2025-06-23. Review status: criteria provided, single submitter. Criteria: Ambry Variant Classification Scheme 2023. Collection method: clinical testing. Allele origin: germline.
Comment: The p.I3872F variant (also known as c.11614A>T), located in coding exon 68 of the DNAH5 gene, results from an A to T substitution at nucleotide position 11614. The isoleucine at codon 3872 is replaced by phenylalanine, an amino acid with highly similar properties. This amino acid position is conserved. In addition, the in silico prediction for this alteration is inconclusive. Based on the available evidence, the clinical significance of this variant remains unclear.

Labcorp Genetics (formerly Invitae), Labcorp
Classification: Likely benign for Primary ciliary dyskinesia. Last evaluated: 2024-12-02. Review status: criteria provided, single submitter. Criteria: Invitae Variant Classification Sherloc (09022015). Collection method: clinical testing. Allele origin: germline.

Genome-Nilou Lab
Classification: Uncertain significance for Primary ciliary dyskinesia 3. Last evaluated: 2021-07-14. Review status: criteria provided, single submitter. Criteria: ACMG Guidelines, 2015. Collection method: clinical testing. Allele origin: germline. Affected: no.

Illumina Laboratory Services, Illumina
Classification: Uncertain significance for Primary ciliary dyskinesia 3. Last evaluated: 2018-01-12. Review status: criteria provided, single submitter. Criteria: ICSL Variant Classification Criteria 13 December 2019. Collection method: clinical testing. Allele origin: germline.